The following is an entry in ClinVar:

NM_001267550.2(TTN):c.11361C>T (p.Ala3787=)

Gene: TTN (titin; minus strand). Cytogenetic location: 2q31.2.
Variant type: single nucleotide variant.
Coding change: c.11361C>T on transcript NM_001267550.2 (MANE Select); coding-DNA position 11361, C replaced by T.
Protein change: p.Ala3787=; no amino-acid change (alanine 3787 retained).
Molecular consequence: synonymous variant. On other transcripts: intron variant (1).
Genome position (GRCh38, 1-based): chr2:178,741,872, G>A on the plus strand (C>T on the coding strand, the complement: TTN is on the minus strand). VCF-style: chr2-178741872-G-A. GRCh37 (hg19) VCF-style: chr2-179606599-G-A.
Other names: c.10410C>T, p.Ala3470= (NM_001256850.1); c.10272C>T, p.Ala3424= (NM_003319.4); c.10647C>T, p.Ala3549= (NM_133432.3); c.10848C>T, p.Ala3616= (NM_133437.4); c.10361-3512C>T (NM_133378.4).
Identifiers: ClinVar variation 466784 (VCV000466784.38), dbSNP rs747366406, ClinGen allele CA2002863.

ClinVar aggregate classification (germline): Likely benign. Review status: criteria provided, multiple submitters, no conflicts (2 of 4 stars). 5 submissions from 5 submitters: Likely benign (5). Last evaluated 2026-01-04.

Conditions:
Cardiovascular phenotype. Identifiers: MedGen CN230736.
Dilated cardiomyopathy 1G (CMD1G). Identifiers: Orphanet 154, MedGen C1858763, MONDO:0011400, OMIM 604145.
Autosomal recessive limb-girdle muscular dystrophy type 2J (LGMDR10). Also called: Limb-girdle muscular dystrophy, type 2J; MUSCULAR DYSTROPHY, LIMB-GIRDLE, AUTOSOMAL RECESSIVE 10. Identifiers: Orphanet 140922, MedGen C1837342, MONDO:0012127, OMIM 608807.

Allele frequency attached by ClinVar (database versions not stated): gnomAD exomes 0.00005 and 0.00004; TOPMed 0.00005; gnomAD 0.00006 and 0.00005; ExAC 0.00010.

Submissions (5):

Labcorp Genetics (formerly Invitae), Labcorp
Classification: Likely benign for Dilated cardiomyopathy 1G; Autosomal recessive limb-girdle muscular dystrophy type 2J. Last evaluated: 2026-01-04. Review status: criteria provided, single submitter. Criteria: Invitae Variant Classification Sherloc (09022015). Collection method: clinical testing. Allele origin: germline.

Molecular Diagnostic Laboratory for Inherited Cardiovascular Disease, Montreal Heart Institute
Classification: Likely benign. Last evaluated: 2025-04-09. Review status: criteria provided, single submitter. Criteria: ACMG Guidelines, 2015. Collection method: clinical testing. Allele origin: germline. Affected: no.

Blueprint Genetics
Classification: Likely benign. Last evaluated: 2024-03-26. Review status: criteria provided, single submitter. Criteria: ACMG Guidelines, 2015. Collection method: clinical testing. Allele origin: germline.

CeGaT Center for Human Genetics Tuebingen
Classification: Likely benign. Last evaluated: 2022-12-01. Review status: criteria provided, single submitter. Criteria: CeGaT Center For Human Genetics Tuebingen Variant Classification Criteria Version 2. Collection method: clinical testing. Allele origin: germline. Affected: yes. Observed: 2 variant alleles.
Comment: TTN: BP4, BP7

Ambry Genetics
Classification: Likely benign for Cardiovascular phenotype. Last evaluated: 2020-03-27. Review status: criteria provided, single submitter. Criteria: Ambry Variant Classification Scheme 2023. Collection method: clinical testing. Allele origin: germline.